The following is an entry in ClinVar:

ClinVar aggregate classification (germline): Uncertain significance. Review status: criteria provided, multiple submitters, no conflicts (2 of 4 stars). 2 submissions from 2 submitters: Uncertain significance (2). Last evaluated 2024-02-29.

Conditions:
Developmental and epileptic encephalopathy, 9 (DEE9). Also called: EPILEPSY, FEMALE-RESTRICTED, WITH MENTAL RETARDATION; JUBERG-HELLMAN SYNDROME; PCDH19-Related X-Linked Female-Limited Epilepsy with Mental Retardation; Early infantile epileptic encephalopathy 9. Identifiers: Orphanet 101039, Orphanet 2076, MedGen C1848137, MONDO:0010246, OMIM 300088. Disease mechanism: loss of function.

Submissions (2):

Labcorp Genetics (formerly Invitae), Labcorp
Classification: Uncertain significance for Developmental and epileptic encephalopathy, 9. Last evaluated: 2024-02-29. Review status: criteria provided, single submitter. Criteria: Invitae Variant Classification Sherloc (09022015). Collection method: clinical testing. Allele origin: germline.
Comment: This sequence change replaces valine, which is neutral and non-polar, with methionine, which is neutral and non-polar, at codon 42 of the PCDH19 protein (p.Val42Met). This variant is not present in population databases (gnomAD no frequency). This variant has not been reported in the literature in individuals affected with PCDH19-related conditions. ClinVar contains an entry for this variant (Variation ID: 1314077). Advanced modeling of protein sequence and biophysical properties (such as structural, functional, and spatial information, amino acid conservation, physicochemical variation, residue mobility, and thermodynamic stability) has been performed at Invitae for this missense variant, however the output from this modeling did not meet the statistical confidence thresholds required to predict the impact of this variant on PCDH19 protein function. In summary, the available evidence is currently insufficient to determine the role of this variant in disease. Therefore, it has been classified as a Variant of Uncertain Significance.

GeneDx
Classification: Uncertain significance. Last evaluated: 2021-08-30. Review status: criteria provided, single submitter. Criteria: GeneDx Variant Classification Process June 2021. Collection method: clinical testing. Allele origin: germline. Affected: yes.
Comment: Not observed in large population cohorts (Lek et al., 2016); Missense variants in this gene are often considered pathogenic (Stenson et al., 2014); In silico analysis supports that this missense variant does not alter protein structure/function; Has not been previously published as pathogenic or benign to our knowledge

NM_001184880.2(PCDH19):c.124G>A (p.Val42Met)

Gene: PCDH19 (protocadherin 19; minus strand). Cytogenetic location: Xq22.1.
Variant type: single nucleotide variant.
Coding change: c.124G>A on transcript NM_001184880.2 (MANE Select); coding-DNA position 124, G replaced by A.
Protein change: p.Val42Met; replaces valine 42 with methionine.
Molecular consequence: missense variant.
Genome position (GRCh38, 1-based): chrX:100,408,474, C>T on the plus strand (G>A on the coding strand, the complement: PCDH19 is on the minus strand). VCF-style: chrX-100408474-C-T. GRCh37 (hg19) VCF-style: chrX-99663472-C-T.
Other names: c.124G>A, p.Val42Met (NM_001105243.2, NM_020766.3); short protein forms V42M.
Identifiers: ClinVar variation 1314077 (VCV001314077.4), dbSNP rs767840869, ClinGen allele CA414011324.
Genomic context (GRCh38, chrX:100,408,474, plus strand): 5'-GAAAGGCTGAAGCCTGCCGGGGGTCCAGCGCGAAGCCCGCCTCTCGCGCGTCTTTGGCCA[C>T]GTTGGCAATCACCGTCCCGGCGCGCTGCTCCTCTTCTACCGAGTACTTGAGATTAATGAG-3'
Protein context (NP_001171809.1, residues 32-52): EQRAGTVIAN[Val42Met]AKDAREAGFA